The following is an entry in ClinVar:

ClinVar aggregate classification (germline): Likely benign. Review status: criteria provided, multiple submitters, no conflicts (2 of 4 stars). 2 submissions from 2 submitters: Likely benign (2). Last evaluated 2026-09-01.

Conditions:
Spondyloepimetaphyseal dysplasia, PAPSS2 type. Also called: SEMD, PAKISTANI TYPE; BRACHYOLMIA TYPE 4 WITH MILD EPIPHYSEAL AND METAPHYSEAL CHANGES; SPONDYLODYSPLASIA AND PREMATURE PUBARCHE. Identifiers: Orphanet 93282, MedGen C2748516, MONDO:0019666, OMIM 612847.

Submissions (2):

CeGaT Center for Human Genetics Tuebingen
Classification: Likely benign. Last evaluated: 2026-09-01. Review status: criteria provided, single submitter. Criteria: CeGaT Center For Human Genetics Tuebingen Variant Classification Criteria Version 2. Collection method: clinical testing. Allele origin: germline. Affected: yes. Observed: 2 variant alleles.
Comment: PAPSS2: BS2

Labcorp Genetics (formerly Invitae), Labcorp
Classification: Likely benign for Spondyloepimetaphyseal dysplasia, PAPSS2 type. Last evaluated: 2021-07-09. Review status: criteria provided, single submitter. Criteria: Invitae Variant Classification Sherloc (09022015). Collection method: clinical testing. Allele origin: germline.

NM_001015880.2(PAPSS2):c.381+14_381+24dup

Gene: PAPSS2 (3'-phosphoadenosine 5'-phosphosulfate synthase 2; plus strand). Cytogenetic location: 10q23.31.
Variant type: Duplication.
Coding change: c.381+14_381+24dup on transcript NM_001015880.2 (MANE Select); bases 14 to 24 of the intron after coding-DNA position 381, 11 bases duplicated (AAAAAAAAAAA).
Molecular consequence: intron variant.
Genome position (GRCh38, 1-based): chr10:87,713,324-87,713,334, AAAAAAAAAAA duplicated; duplicating any 11 consecutive bases within chr10:87,713,313-87,713,334 gives the same sequence; the c. name uses the placement nearest the transcript's 3' end. VCF-style (leftmost placement, unchanged base first): chr10-87713312-T-TAAAAAAAAAAA. GRCh37 (hg19) VCF-style: chr10-89473069-T-TAAAAAAAAAAA.
Other names: c.381+14_381+24dup (NM_004670.4).
Identifiers: ClinVar variation 1638397 (VCV001638397.12), dbSNP rs367885911, ClinGen allele CA669549346.